The following is an entry in ClinVar:

ClinVar aggregate classification (germline): Pathogenic (1 of 4 stars; one submission).

Submission:

Quest Diagnostics Nichols Institute San Juan Capistrano
Classification: Pathogenic. Last evaluated: 2022-02-08. Review status: criteria provided, single submitter. Criteria: ACMG/ClinGen CNV Guidelines, 2019. Collection method: clinical testing. Allele origin: unknown.
Comment: The large Xp22.33p22.2 terminal imbalance is expected to cause phenotypic and/or developmental abnormalities. It includes multiple OMIM disease genes. One of these genes is SHOX (OMIM 312865) ; haploinsufficiency of this gene can cause phenotypes ranging from Leri-Weill dyschondrosteosis (LWD; OMIM 127300) at the severe end of the spectrum to idiopathic familial short stature (OMIM 300582) at the mild end of the spectrum. The phenotype of short stature caused by SHOX deficiency (in the absence of mesomelia and Madelung deformity) is highly variable, even within the same family (GeneReviews). The classic clinical triad in LWD is short stature, mesomelia, and Madelung deformity. The penetrance of SHOX deficiency is high, but its clinical expression is highly variable, becoming more pronounced with age and being more severe in females.

GRCh37/hg19 Xp22.33(chrX:168547-1536716)x1

Variant type: copy number loss.
Change: copy number 1 of chrX:168,547-1,536,716 (1.37 Mb, GRCh37 coordinates, 1-based), cytogenetic band Xp22.33.
Identifiers: ClinVar variation 1808727 (VCV001808727.1).